The following is an entry in ClinVar:

NM_025099.6(CTC1):c.2242G>T (p.Val748Phe)

Gene: CTC1 (CST telomere replication complex component 1; minus strand). Cytogenetic location: 17p13.1.
Variant type: single nucleotide variant.
Coding change: c.2242G>T on transcript NM_025099.6 (MANE Select); coding-DNA position 2242, G replaced by T.
Protein change: p.Val748Phe; replaces valine 748 with phenylalanine.
Molecular consequence: missense variant. On other transcripts: non-coding transcript variant (1).
Genome position (GRCh38, 1-based): chr17:8,232,046, C>A on the plus strand (G>T on the coding strand, the complement: CTC1 is on the minus strand). VCF-style: chr17-8232046-C-A. GRCh37 (hg19) VCF-style: chr17-8135364-C-A.
Other names: c.2242G>T, p.Val748Phe (NM_001411067.1); short protein forms V748F.
Identifiers: ClinVar variation 2961811 (VCV002961811.3), dbSNP rs1432633878, ClinGen allele CA397978023.

ClinVar aggregate classification (germline): Uncertain significance (1 of 4 stars; one submission).

Conditions:
Dyskeratosis congenita. Identifiers: Orphanet 1775, MedGen C0265965, MONDO:0015780.

Submission:

Labcorp Genetics (formerly Invitae), Labcorp
Classification: Uncertain significance for Dyskeratosis congenita. Last evaluated: 2024-01-29. Review status: criteria provided, single submitter. Criteria: Invitae Variant Classification Sherloc (09022015). Collection method: clinical testing. Allele origin: germline.
Comment: This sequence change replaces valine, which is neutral and non-polar, with phenylalanine, which is neutral and non-polar, at codon 748 of the CTC1 protein (p.Val748Phe). This variant is not present in population databases (gnomAD no frequency). This variant has not been reported in the literature in individuals affected with CTC1-related conditions. An algorithm developed to predict the effect of missense changes on protein structure and function (PolyPhen-2) suggests that this variant is likely to be tolerated. In summary, the available evidence is currently insufficient to determine the role of this variant in disease. Therefore, it has been classified as a Variant of Uncertain Significance.